The following is an entry in ClinVar:

NM_000135.4(FANCA):c.3713G>C (p.Arg1238Thr)

Gene: FANCA (FA complementation group A; minus strand). Cytogenetic location: 16q24.3.
Variant type: single nucleotide variant.
Coding change: c.3713G>C on transcript NM_000135.4 (MANE Select); coding-DNA position 3713, G replaced by C.
Protein change: p.Arg1238Thr; replaces arginine 1238 with threonine.
Molecular consequence: missense variant.
Genome position (GRCh38, 1-based): chr16:89,742,852, C>G on the plus strand (G>C on the coding strand, the complement: FANCA is on the minus strand). VCF-style: chr16-89742852-C-G. GRCh37 (hg19) VCF-style: chr16-89809260-C-G.
Other names: c.3713G>C, p.Arg1238Thr (NM_001286167.3); short protein forms R1238T.
Identifiers: ClinVar variation 4022085 (VCV004022085.1).

ClinVar aggregate classification (germline): Uncertain significance (1 of 4 stars; one submission).

Conditions:
Inborn genetic diseases. Identifiers: MedGen C0950123, MeSH D030342.

gnomAD v4.1: 1 of 1,614,168 alleles (0.000062%); highest among the groups gnomAD compares: Non-Finnish European, 0.000085%; no homozygotes.

Submission:

Ambry Genetics
Classification: Uncertain significance for Inborn genetic diseases. Last evaluated: 2025-03-15. Review status: criteria provided, single submitter. Criteria: Ambry Variant Classification Scheme 2023. Collection method: clinical testing. Allele origin: germline.
Comment: The p.R1238T variant (also known as c.3713G>C), located in coding exon 37 of the FANCA gene, results from a G to C substitution at nucleotide position 3713. The arginine at codon 1238 is replaced by threonine, an amino acid with similar properties. This amino acid position is conserved. In addition, this alteration is predicted to be tolerated by in silico analysis. Based on the available evidence, the clinical significance of this variant remains unclear.